The following is an entry in ClinVar:

NM_000308.4(CTSA):c.-43T>A

Gene: CTSA (cathepsin A; plus strand). Cytogenetic location: 20q13.12.
Variant type: single nucleotide variant.
Coding change: c.-43T>A on transcript NM_000308.4 (MANE Select); 43 bases upstream of the start codon, T replaced by A.
Molecular consequence: 5 prime UTR variant. On other transcripts: non-coding transcript variant (1).
Genome position (GRCh38, 1-based): chr20:45,891,337, T>A. VCF-style: chr20-45891337-T-A. GRCh37 (hg19) VCF-style: chr20-44519976-T-A.
Other names: c.-89T>A (NM_001127695.3); c.-43T>A (NM_001167594.3).
Identifiers: ClinVar variation 1385575 (VCV001385575.3), dbSNP rs779305626, ClinGen allele CA315658304.
Genomic context (GRCh38, chr20:45,891,337, plus strand): 5'-GCGGGAGGAAGACTGTCACGTGGCGCCGGAGTTCACGTGACTCGTACACATGACTTCCAG[T>A]CCCCGGGCGCCTCCTGGAGAGCAAGGACGCGGGGGAGCAGAGGTGAGCTGGCACCGGAGG-3'

ClinVar aggregate classification (germline): Uncertain significance (1 of 4 stars; one submission).

Conditions:
Combined deficiency of sialidase AND beta galactosidase (GSL). Also called: CATHEPSIN A DEFICIENCY; PPCA DEFICIENCY; PROTECTIVE PROTEIN/CATHEPSIN A DEFICIENCY; Galactosialidosis; GOLDBERG SYNDROME; NEURAMINIDASE DEFICIENCY WITH BETA-GALACTOSIDASE DEFICIENCY. Identifiers: Orphanet 351, MedGen C0268233, MONDO:0009737, OMIM 256540.

Allele frequency attached by ClinVar (database versions not stated): TOPMed below 0.00001; gnomAD 0.00001; gnomAD exomes 0.00001.
gnomAD v4.1: 14 of 1,567,414 alleles (0.00089%); highest among the groups gnomAD compares: African/African-American, 0.0014%; no homozygotes.

Submission:

Labcorp Genetics (formerly Invitae), Labcorp
Classification: Uncertain significance for Combined deficiency of sialidase AND beta galactosidase. Last evaluated: 2021-10-27. Review status: criteria provided, single submitter. Criteria: Invitae Variant Classification Sherloc (09022015). Collection method: clinical testing. Allele origin: germline.
Comment: This sequence change replaces serine, which is neutral and polar, with arginine, which is basic and polar, at codon 4 of the CTSA protein (p.Ser4Arg). This variant is not present in population databases (gnomAD no frequency). This variant has not been reported in the literature in individuals affected with CTSA-related conditions. Algorithms developed to predict the effect of missense changes on protein structure and function output the following: SIFT: "Not Available"; PolyPhen-2: "Benign"; Align-GVGD: "Not Available". The arginine amino acid residue is found in multiple mammalian species, which suggests that this missense change does not adversely affect protein function. In summary, the available evidence is currently insufficient to determine the role of this variant in disease. Therefore, it has been classified as a Variant of Uncertain Significance.